The following is an entry in ClinVar:

ClinVar aggregate classification (germline): Uncertain significance (1 of 4 stars; one submission).

Conditions:
Amyotrophic lateral sclerosis type 15. Also called: AMYOTROPHIC LATERAL SCLEROSIS 15 WITH FRONTOTEMPORAL DEMENTIA. Identifiers: Orphanet 803, MedGen C3275459, MONDO:0010459, OMIM 300857.

Allele frequency attached by ClinVar (database versions not stated): gnomAD exomes below 0.00001.

Submission:

Labcorp Genetics (formerly Invitae), Labcorp
Classification: Uncertain significance for Amyotrophic lateral sclerosis type 15. Last evaluated: 2023-07-15. Review status: criteria provided, single submitter. Criteria: Invitae Variant Classification Sherloc (09022015). Collection method: clinical testing. Allele origin: germline.
Comment: In summary, the available evidence is currently insufficient to determine the role of this variant in disease. Therefore, it has been classified as a Variant of Uncertain Significance. Experimental studies and prediction algorithms are not available or were not evaluated, and the functional significance of this variant is currently unknown. This variant has not been reported in the literature in individuals affected with UBQLN2-related conditions. This variant is not present in population databases (gnomAD no frequency). This sequence change replaces threonine, which is neutral and polar, with asparagine, which is neutral and polar, at codon 508 of the UBQLN2 protein (p.Thr508Asn).

NM_013444.4(UBQLN2):c.1523C>A (p.Thr508Asn)

Gene: UBQLN2 (ubiquilin 2; plus strand). Cytogenetic location: Xp11.21.
Variant type: single nucleotide variant.
Coding change: c.1523C>A on transcript NM_013444.4 (MANE Select); coding-DNA position 1523, C replaced by A.
Protein change: p.Thr508Asn; replaces threonine 508 with asparagine.
Molecular consequence: missense variant.
Genome position (GRCh38, 1-based): chrX:56,565,396, C>A. VCF-style: chrX-56565396-C-A. GRCh37 (hg19) VCF-style: chrX-56591829-C-A.
Other names: short protein forms T508N.
Identifiers: ClinVar variation 2974505 (VCV002974505.3), dbSNP rs2519963379, ClinGen allele CA413380738.